The following is an entry in ClinVar:

ClinVar aggregate classification (germline): Conflicting classifications of pathogenicity. Review status: criteria provided, conflicting classifications (1 of 4 stars). 4 submissions from 4 submitters: Uncertain significance (2); Benign (1). 1 of the submissions does not count toward it. Last evaluated 2025-12-24.

Conditions:
COL11A1-related disorder. Also called: COL11A1-related disorders; COL11A1-related condition.
Inborn genetic diseases. Identifiers: MedGen C0950123, MeSH D030342.

Allele frequency attached by ClinVar (database versions not stated): ExAC 0.00001; gnomAD 0.00001; TOPMed 0.00002; gnomAD exomes 0.00001.
gnomAD v4.1: 5 of 1,612,698 alleles (0.00031%); highest among the groups gnomAD compares: Admixed American, 0.0083%; no homozygotes.

Submissions (4):

Labcorp Genetics (formerly Invitae), Labcorp
Classification: Benign. Last evaluated: 2025-12-24. Review status: criteria provided, single submitter. Criteria: Invitae Variant Classification Sherloc (09022015). Collection method: clinical testing. Allele origin: germline.

Ambry Genetics
Classification: Uncertain significance for Inborn genetic diseases. Last evaluated: 2025-08-24. Review status: criteria provided, single submitter. Criteria: Ambry Variant Classification Scheme 2023. Collection method: clinical testing. Allele origin: germline.

GeneDx
Classification: Uncertain significance. Last evaluated: 2022-07-08. Review status: criteria provided, single submitter. Criteria: GeneDx Variant Classification Process June 2021. Collection method: clinical testing. Allele origin: germline. Affected: yes.
Comment: Not observed at significant frequency in large population cohorts (gnomAD); In silico analysis supports that this missense variant does not alter protein structure/function; Has not been previously published as pathogenic or benign to our knowledge

PreventionGenetics, part of Exact Sciences
Classification: Uncertain significance for COL11A1-related condition. Last evaluated: 2024-06-19. Review status: no assertion criteria provided. Collection method: clinical testing. Allele origin: germline. Not counted in ClinVar's aggregate classification.
Comment: The COL11A1 c.973G>T variant is predicted to result in the amino acid substitution p.Val325Phe. To our knowledge, this variant has not been reported in the literature. This variant is reported in 0.0085% of alleles in individuals of Latino descent in gnomAD. At this time, the clinical significance of this variant is uncertain due to the absence of conclusive functional and genetic evidence.

NM_001854.4(COL11A1):c.973G>T (p.Val325Phe)

Gene: COL11A1 (collagen type XI alpha 1 chain; minus strand). Cytogenetic location: 1p21.1.
Variant type: single nucleotide variant.
Coding change: c.973G>T on transcript NM_001854.4 (MANE Select); coding-DNA position 973, G replaced by T.
Protein change: p.Val325Phe; replaces valine 325 with phenylalanine.
Molecular consequence: missense variant. On other transcripts: non-coding transcript variant (1), intron variant (1).
Genome position (GRCh38, 1-based): chr1:103,025,538, C>A on the plus strand (G>T on the coding strand, the complement: COL11A1 is on the minus strand). VCF-style: chr1-103025538-C-A. GRCh37 (hg19) VCF-style: chr1-103491094-C-A.
Other names: c.856G>T, p.Val286Phe (NM_001190709.2); c.1009G>T, p.Val337Phe (NM_080629.3); c.897+678G>T (NM_080630.4); short protein forms V325F, V337F, V286F.
Identifiers: ClinVar variation 424294 (VCV000424294.8), dbSNP rs746633493, ClinGen allele CA975181.